The following is an entry in ClinVar:

NM_003823.4(TNFRSF6B):c.199C>T (p.Pro67Ser)

Genes: RTEL1-TNFRSF6B (RTEL1-TNFRSF6B readthrough (NMD candidate); plus strand), TNFRSF6B (TNF receptor superfamily member 6b; plus strand). Cytogenetic location: 20q13.33.
Variant type: single nucleotide variant.
Coding change: c.199C>T on transcript NM_003823.4 (MANE Select); coding-DNA position 199, C replaced by T.
Protein change: p.Pro67Ser; replaces proline 67 with serine.
Molecular consequence: missense variant. On other transcripts: non-coding transcript variant (1).
Genome position (GRCh38, 1-based): chr20:63,696,966, C>T. VCF-style: chr20-63696966-C-T. GRCh37 (hg19) VCF-style: chr20-62328319-C-T.
Other names: short protein forms P67S.
Identifiers: ClinVar variation 2801618 (VCV002801618.3), dbSNP rs1279029772, ClinGen allele CA409710949.

ClinVar aggregate classification (germline): Uncertain significance (1 of 4 stars; one submission).

Allele frequency attached by ClinVar (database versions not stated): TOPMed below 0.00001.

Submission:

Labcorp Genetics (formerly Invitae), Labcorp
Classification: Uncertain significance. Last evaluated: 2023-04-10. Review status: criteria provided, single submitter. Criteria: Invitae Variant Classification Sherloc (09022015). Collection method: clinical testing. Allele origin: germline.
Comment: In summary, the available evidence is currently insufficient to determine the role of this variant in disease. Therefore, it has been classified as a Variant of Uncertain Significance. An algorithm developed to predict the effect of missense changes on protein structure and function (PolyPhen-2) suggests that this variant is likely to be disruptive. This variant has not been reported in the literature in individuals affected with TNFRSF6B-related conditions. This variant is not present in population databases (gnomAD no frequency). This sequence change replaces proline, which is neutral and non-polar, with serine, which is neutral and polar, at codon 67 of the TNFRSF6B protein (p.Pro67Ser).